The following is an entry in ClinVar:

ClinVar aggregate classification (germline): Pathogenic (1 of 4 stars; one submission).

Submission:

GeneDx
Classification: Pathogenic. Last evaluated: 2022-08-23. Review status: criteria provided, single submitter. Criteria: GeneDx Variant Classification Process June 2021. Collection method: clinical testing. Allele origin: germline. Affected: yes.
Comment: Frameshift variant predicted to result in protein truncation or nonsense mediated decay in a gene for which loss-of-function is a known mechanism of disease; Not observed at significant frequency in large population cohorts (gnomAD); Has not been previously published as pathogenic or benign to our knowledge

NM_000548.5(TSC2):c.4280del (p.Ser1427fs)

Gene: TSC2 (TSC complex subunit 2; plus strand). Cytogenetic location: 16p13.3.
Variant type: Deletion.
Coding change: c.4280del on transcript NM_000548.5 (MANE Select); coding-DNA position 4280, one base deleted (G; older notation c.4280delG).
Protein change: p.Ser1427fs; shifts the reading frame from serine 1427.
Molecular consequence: frameshift variant.
Genome position (GRCh38, 1-based): chr16:2,084,502, G deleted. VCF-style (leftmost placement, unchanged base first): chr16-2084501-AG-A. GRCh37 (hg19) VCF-style: chr16-2134502-AG-A.
Other names: c.4280delG (NM_000548.3); c.4280del (NM_000548.3); c.4079del, p.Ser1360fs (NM_001077183.3); c.4211del, p.Ser1404fs (NM_001114382.3); c.3971del, p.Ser1324fs (NM_001318827.2); c.3935del, p.Ser1312fs (NM_001318829.2); c.3548del, p.Ser1183fs (NM_001318831.2); c.4112del, p.Ser1371fs (NM_001318832.2); and 3 more; short protein forms S1183fs, S1312fs, S1324fs, S1360fs, S1361fs, S1371fs, S1383fs, S1384fs.
Identifiers: ClinVar variation 1216840 (VCV001216840.4), dbSNP rs2151530795, ClinGen allele CA2499223338.